The following is an entry in ClinVar:

ClinVar aggregate classification (germline): Uncertain significance (1 of 4 stars; one submission).

Conditions:
ALG11-congenital disorder of glycosylation. Also called: CONGENITAL DISORDER OF GLYCOSYLATION, TYPE Ip; ALG11-CDG. Identifiers: Orphanet 280071, MedGen C3150913, MONDO:0013349, OMIM 613661.

gnomAD v4.1: 2 of 1,614,130 alleles (0.00012%); highest among the groups gnomAD compares: Non-Finnish European, 0.000085%; no homozygotes.

Submission:

Labcorp Genetics (formerly Invitae), Labcorp
Classification: Uncertain significance for ALG11-congenital disorder of glycosylation. Last evaluated: 2021-12-02. Review status: criteria provided, single submitter. Criteria: Invitae Variant Classification Sherloc (09022015). Collection method: clinical testing. Allele origin: germline.
Comment: This sequence change replaces cysteine, which is neutral and slightly polar, with glycine, which is neutral and non-polar, at codon 11 of the ALG11 protein (p.Cys11Gly). This variant is not present in population databases (gnomAD no frequency). This variant has not been reported in the literature in individuals affected with ALG11-related conditions. Algorithms developed to predict the effect of missense changes on protein structure and function output the following: SIFT: "Tolerated"; PolyPhen-2: "Benign"; Align-GVGD: "Class C0". The glycine amino acid residue is found in multiple mammalian species, which suggests that this missense change does not adversely affect protein function. In summary, the available evidence is currently insufficient to determine the role of this variant in disease. Therefore, it has been classified as a Variant of Uncertain Significance.

NM_001004127.3(ALG11):c.31T>G (p.Cys11Gly)

Genes: ALG11 (ALG11 alpha-1,2-mannosyltransferase; plus strand), LOC130009841 (ATAC-STARR-seq lymphoblastoid active region 7785; plus strand). Cytogenetic location: 13q14.3.
Variant type: single nucleotide variant.
Coding change: c.31T>G on transcript NM_001004127.3 (MANE Select); coding-DNA position 31, T replaced by G.
Protein change: p.Cys11Gly; replaces cysteine 11 with glycine.
Molecular consequence: missense variant. On other transcripts: non-coding transcript variant (1).
Genome position (GRCh38, 1-based): chr13:52,012,449, T>G. VCF-style: chr13-52012449-T-G. GRCh37 (hg19) VCF-style: chr13-52586585-T-G.
Other names: short protein forms C11G.
Identifiers: ClinVar variation 1523042 (VCV001523042.6), dbSNP rs1444016944, ClinGen allele CA388047967.
Genomic context (GRCh38, chr13:52,012,449, plus strand): 5'-GCGTTTCCTGAGTTCGGGGGTCGGCGGAAGATGGCGGCCGGCGAAAGGAGCTGGTGCCTG[T>G]GCAAGTTGTTGAGGTGAGCAGCCGGTCGTGTGGGCTCACAGACGTTTTCTCTTCTGTAGG-3'
Protein context (NP_001004127.2, residues 1-21): MAAGERSWCL[Cys11Gly]KLLRFFYSLF